The following is an entry in ClinVar:

ClinVar aggregate classification (germline): Uncertain significance (1 of 4 stars; one submission).

Conditions:
Autoimmune interstitial lung disease-arthritis syndrome. Also called: Autoinflammation and autoimmunity, systemic, with immune dysregulation. Identifiers: Orphanet 444092, MedGen C5975714, MONDO:0014629.

Submission:

Labcorp Genetics (formerly Invitae), Labcorp
Classification: Uncertain significance for Autoimmune interstitial lung disease-arthritis syndrome. Last evaluated: 2019-01-29. Review status: criteria provided, single submitter. Criteria: Invitae Variant Classification Sherloc (09022015). Collection method: clinical testing. Allele origin: germline.
Comment: In summary, the available evidence is currently insufficient to determine the role of this variant in disease. Therefore, it has been classified as a Variant of Uncertain Significance. Algorithms developed to predict the effect of missense changes on protein structure and function (SIFT, PolyPhen-2, Align-GVGD) all suggest that this variant is likely to be tolerated, but these predictions have not been confirmed by published functional studies and their clinical significance is uncertain. This variant has not been reported in the literature in individuals with COPA-related conditions. This variant is not present in population databases (ExAC no frequency). This sequence change replaces threonine with proline at codon 917 of the COPA protein (p.Thr917Pro). The threonine residue is moderately conserved and there is a small physicochemical difference between threonine and proline.

NM_004371.4(COPA):c.2749A>C (p.Thr917Pro)

Gene: COPA (coat protein complex I subunit alpha; minus strand). Cytogenetic location: 1q23.2.
Variant type: single nucleotide variant.
Coding change: c.2749A>C on transcript NM_004371.4 (MANE Select); coding-DNA position 2749, A replaced by C.
Protein change: p.Thr917Pro; replaces threonine 917 with proline.
Molecular consequence: missense variant.
Genome position (GRCh38, 1-based): chr1:160,293,391, T>G on the plus strand (A>C on the coding strand, the complement: COPA is on the minus strand). VCF-style: chr1-160293391-T-G. GRCh37 (hg19) VCF-style: chr1-160263181-T-G.
Other names: c.2776A>C, p.Thr926Pro (NM_001098398.2); short protein forms T917P, T926P.
Identifiers: ClinVar variation 838863 (VCV000838863.9), dbSNP rs751116790, ClinGen allele CA343274919.